The following is an entry in ClinVar:

ClinVar aggregate classification (germline): Uncertain significance (1 of 4 stars; one submission).

Conditions:
Long QT syndrome (LQTS). Identifiers: MedGen C0023976, MeSH D008133, MONDO:0002442. Disease mechanism: loss of function. Inheritance: Various modes of inheritance.

Submission:

Labcorp Genetics (formerly Invitae), Labcorp
Classification: Uncertain significance for Long QT syndrome. Last evaluated: 2021-05-05. Review status: criteria provided, single submitter. Criteria: Invitae Variant Classification Sherloc (09022015). Collection method: clinical testing. Allele origin: germline.
Comment: In summary, the available evidence is currently insufficient to determine the role of this variant in disease. Therefore, it has been classified as a Variant of Uncertain Significance. Algorithms developed to predict the effect of missense changes on protein structure and function (SIFT, PolyPhen-2, Align-GVGD) all suggest that this variant is likely to be tolerated, but these predictions have not been confirmed by published functional studies and their clinical significance is uncertain. This variant has not been reported in the literature in individuals with AKAP9-related conditions. This variant is not present in population databases (ExAC no frequency). This sequence change replaces phenylalanine with serine at codon 2431 of the AKAP9 protein (p.Phe2431Ser). The phenylalanine residue is weakly conserved and there is a large physicochemical difference between phenylalanine and serine.

NM_005751.5(AKAP9):c.7292T>C (p.Phe2431Ser)

Gene: AKAP9 (A-kinase anchoring protein 9; plus strand). Cytogenetic location: 7q21.2.
Variant type: single nucleotide variant.
Coding change: c.7292T>C on transcript NM_005751.5 (MANE Select); coding-DNA position 7292, T replaced by C.
Protein change: p.Phe2431Ser; replaces phenylalanine 2431 with serine.
Molecular consequence: missense variant.
Genome position (GRCh38, 1-based): chr7:92,079,425, T>C. VCF-style: chr7-92079425-T-C. GRCh37 (hg19) VCF-style: chr7-91708739-T-C.
Other names: c.1937T>C, p.Phe646Ser (NM_001379277.1); c.7268T>C, p.Phe2423Ser (NM_147185.3); short protein forms F2423S, F2431S, F646S.
Identifiers: ClinVar variation 1464647 (VCV001464647.8), dbSNP rs2130861406, ClinGen allele CA368135407.
Genomic context (GRCh38, chr7:92,079,425, plus strand): 5'-TCATGAAAAATGTACTTAAAGAAACCAATTTTAAAATGAATCAGCTAACACAGGAATTAT[T>C]CAGCTTAAAGAGAGAACGTGAAAGTGTGGAAAAGATTCAAAGCATACCAGAGAATAGTGT-3'
Protein context (NP_005742.4, residues 2421-2441): FKMNQLTQEL[Phe2431Ser]SLKRERESVE